The following is an entry in ClinVar:

ClinVar aggregate classification (germline): Uncertain significance (1 of 4 stars; one submission).

Conditions:
Lipodystrophy, partial, acquired, susceptibility to (APLD). Also called: APLD, SUSCEPTIBILITY TO. Identifiers: MedGen C3887501, MONDO:0100476, OMIM 608709.
Progressive myoclonic epilepsy type 9. Identifiers: Orphanet 457265, MedGen C4225289, MONDO:0014685, OMIM 616540.

Submission:

Labcorp Genetics (formerly Invitae), Labcorp
Classification: Uncertain significance for Progressive myoclonic epilepsy type 9; Lipodystrophy, partial, acquired, susceptibility to. Last evaluated: 2022-03-08. Review status: criteria provided, single submitter. Criteria: Invitae Variant Classification Sherloc (09022015). Collection method: clinical testing. Allele origin: germline.
Comment: This sequence change creates a premature translational stop signal (p.Gln258*) in the LMNB2 gene. It is expected to result in an absent or disrupted protein product. However, the current clinical and genetic evidence is not sufficient to establish whether loss-of-function variants in LMNB2 cause disease. This variant is not present in population databases (gnomAD no frequency). This variant has not been reported in the literature in individuals affected with LMNB2-related conditions. In summary, the available evidence is currently insufficient to determine the role of this variant in disease. Therefore, it has been classified as a Variant of Uncertain Significance.

NM_032737.4(LMNB2):c.772C>T (p.Gln258Ter)

Gene: LMNB2 (lamin B2; minus strand). Cytogenetic location: 19p13.3.
Variant type: single nucleotide variant.
Coding change: c.772C>T on transcript NM_032737.4 (MANE Select); coding-DNA position 772, C replaced by T.
Protein change: p.Gln258Ter; replaces glutamine 258 with a stop codon.
Molecular consequence: nonsense.
Genome position (GRCh38, 1-based): chr19:2,435,084, G>A on the plus strand (C>T on the coding strand, the complement: LMNB2 is on the minus strand). VCF-style: chr19-2435084-G-A. GRCh37 (hg19) VCF-style: chr19-2435082-G-A.
Other names: short protein forms Q258*.
Identifiers: ClinVar variation 1488655 (VCV001488655.5), dbSNP rs2145449340, ClinGen allele CA403255279.
Genomic context (GRCh38, chr19:2,435,084, plus strand): 5'-GCTCCAGCTTGTAGAGCCGCACTTGCTCGTCGTGCTGGCTCCGCAGCTCCTCCAGCGCCT[G>A]TGCCATCTTGAAGTCGTACTCCTGCTGCCGGCTGCTGTCCACCTCCACCAGGCGCCGCTC-3'